The following is an entry in ClinVar:

NM_004360.5(CDH1):c.627A>C (p.Arg209Ser)

Gene: CDH1 (cadherin 1; plus strand). Cytogenetic location: 16q22.1.
Variant type: single nucleotide variant.
Coding change: c.627A>C on transcript NM_004360.5 (MANE Select); coding-DNA position 627, A replaced by C.
Protein change: p.Arg209Ser; replaces arginine 209 with serine.
Molecular consequence: missense variant. On other transcripts: 5 prime UTR variant (2).
Genome position (GRCh38, 1-based): chr16:68,808,788, A>C. VCF-style: chr16-68808788-A-C. GRCh37 (hg19) VCF-style: chr16-68842691-A-C.
Other names: c.627A>C (LRG_301t1); c.-989A>C (NM_001317185.2); c.-1193A>C (NM_001317186.2); c.627A>C, p.Arg209Ser (NM_001317184.2); short protein forms R209S.
Identifiers: ClinVar variation 567386 (VCV000567386.9), dbSNP rs371601956, ClinGen allele CA396458039.
Genomic context (GRCh38, chr16:68,808,788, plus strand): 5'-CTACAGCATCACTGGCCAAGGAGCTGACACACCCCCTGTTGGTGTCTTTATTATTGAAAG[A>C]GAAACAGGATGGCTGAAGGTGACAGAGCCTCTGGATAGAGAACGCATTGCCACATACACT-3'
Protein context (NP_004351.1, residues 199-219): TPPVGVFIIE[Arg209Ser]ETGWLKVTEP

ClinVar aggregate classification (germline): Uncertain significance. Review status: criteria provided, multiple submitters, no conflicts (2 of 4 stars). 2 submissions from 2 submitters: Uncertain significance (2). Last evaluated 2026-01-19.

Conditions:
Hereditary cancer-predisposing syndrome. Also called: Neoplastic Syndromes, Hereditary; Tumor predisposition; Hereditary Cancer Syndrome; Hereditary neoplastic syndrome. Identifiers: Orphanet 140162, MedGen C0027672, MeSH D009386, MONDO:0015356.
Hereditary diffuse gastric adenocarcinoma (HDGC). Also called: DIFFUSE GASTRIC AND LOBULAR BREAST CANCER SYNDROME. Identifiers: Orphanet 26106, MedGen C1708349, MONDO:0007648, OMIM 137215.

gnomAD v4.1: 1 of 1,614,194 alleles (0.000062%); highest among the groups gnomAD compares: Non-Finnish European, 0.000085%; no homozygotes.

Submissions (2):

Labcorp Genetics (formerly Invitae), Labcorp
Classification: Uncertain significance for Hereditary diffuse gastric adenocarcinoma. Last evaluated: 2026-01-19. Review status: criteria provided, single submitter. Criteria: Invitae Variant Classification Sherloc (09022015). Collection method: clinical testing. Allele origin: germline.
Comment: This sequence change replaces arginine, which is basic and polar, with serine, which is neutral and polar, at codon 209 of the CDH1 protein (p.Arg209Ser). This variant is not present in population databases (gnomAD no frequency). This variant has not been reported in the literature in individuals affected with CDH1-related conditions. ClinVar contains an entry for this variant (Variation ID: 567386). An algorithm developed to predict the effect of missense changes on protein structure and function (PolyPhen-2) suggests that this variant is likely to be disruptive. In summary, the available evidence is currently insufficient to determine the role of this variant in disease. Therefore, it has been classified as a Variant of Uncertain Significance.

Ambry Genetics
Classification: Uncertain significance for Hereditary cancer-predisposing syndrome. Last evaluated: 2024-07-04. Review status: criteria provided, single submitter. Criteria: Ambry Variant Classification Scheme 2023. Collection method: clinical testing. Allele origin: germline.
Comment: The p.R209S variant (also known as c.627A>C), located in coding exon 5 of the CDH1 gene, results from an A to C substitution at nucleotide position 627. The arginine at codon 209 is replaced by serine, an amino acid with dissimilar properties. This amino acid position is conserved. In addition, the in silico prediction for this alteration is inconclusive. Based on the available evidence, the clinical significance of this variant remains unclear.